The following is an entry in ClinVar:

NM_015021.3(ZNF292):c.4331C>A (p.Pro1444Gln)

Gene: ZNF292 (zinc finger protein 292; plus strand). Cytogenetic location: 6q14.3.
Variant type: single nucleotide variant.
Coding change: c.4331C>A on transcript NM_015021.3 (MANE Select); coding-DNA position 4331, C replaced by A.
Protein change: p.Pro1444Gln; replaces proline 1444 with glutamine.
Molecular consequence: missense variant.
Genome position (GRCh38, 1-based): chr6:87,257,960, C>A. VCF-style: chr6-87257960-C-A. GRCh37 (hg19) VCF-style: chr6-87967678-C-A.
Other names: c.3911C>A, p.Pro1304Gln (NM_001351444.2); short protein forms P1304Q, P1444Q.
Identifiers: ClinVar variation 4536705 (VCV004536705.1).

ClinVar aggregate classification (germline): Uncertain significance (1 of 4 stars; one submission).

gnomAD v4.1: 6 of 1,613,820 alleles (0.00037%); highest among the groups gnomAD compares: Admixed American, 0.0067%; no homozygotes.

Submission:

Women's Health and Genetics/Laboratory Corporation of America, LabCorp
Classification: Uncertain significance. Last evaluated: 2025-11-14. Review status: criteria provided, single submitter. Criteria: LabCorp Variant Classification Summary - May 2015. Collection method: clinical testing. Allele origin: germline.
Comment: Variant summary: ZNF292 c.4331C>A (p.Pro1444Gln) results in a non-conservative amino acid change in the encoded protein sequence. Algorithms developed to predict the effect of missense changes on protein structure and function are either unavailable or do not agree on the potential impact of this missense change. The variant allele was found at a frequency of 2e-05 in 248800 control chromosomes. The available data on variant occurrences in the general population are insufficient to allow any conclusion about variant significance. To our knowledge, no occurrence of c.4331C>A in individuals affected with ZNF292-related conditions and no experimental evidence demonstrating its impact on protein function have been reported. No submitters have cited clinical-significance assessments for this variant to ClinVar. Based on the evidence outlined above, the variant was classified as uncertain significance.